The following is an entry in ClinVar:

NM_005262.3(GFER):c.352C>G (p.Pro118Ala)

Gene: GFER (growth factor, augmenter of liver regeneration; plus strand). Cytogenetic location: 16p13.3.
Variant type: single nucleotide variant.
Coding change: c.352C>G on transcript NM_005262.3 (MANE Select); coding-DNA position 352, C replaced by G.
Protein change: p.Pro118Ala; replaces proline 118 with alanine.
Molecular consequence: missense variant.
Genome position (GRCh38, 1-based): chr16:1,984,840, C>G. VCF-style: chr16-1984840-C-G. GRCh37 (hg19) VCF-style: chr16-2034841-C-G.
Other names: short protein forms P118A.
Identifiers: ClinVar variation 1920441 (VCV001920441.2), dbSNP rs201603991, ClinGen allele CA7826020.
Genomic context (GRCh38, chr16:1,984,840, plus strand): 5'-GATCGCGAGGAACTGGGCCGCCACAGCTGGGCTGTCCTCCACACCCTGGCCGCCTACTAC[C>G]CCGACCTGCCCACCCCAGAACAGCAGCAAGACATGGCCCAGTTCATACATTTATTTTCTA-3'
Protein context (NP_005253.3, residues 108-128): AVLHTLAAYY[Pro118Ala]DLPTPEQQQD

ClinVar aggregate classification (germline): Uncertain significance (1 of 4 stars; one submission).

Allele frequency attached by ClinVar (database versions not stated): ExAC 0.00001.
gnomAD v4.1: 8 of 1,613,484 alleles (0.0005%); highest among the groups gnomAD compares: Admixed American, 0.0033%; no homozygotes.

Submission:

Labcorp Genetics (formerly Invitae), Labcorp
Classification: Uncertain significance. Last evaluated: 2022-03-24. Review status: criteria provided, single submitter. Criteria: Invitae Variant Classification Sherloc (09022015). Collection method: clinical testing. Allele origin: germline.
Comment: This sequence change replaces proline, which is neutral and non-polar, with alanine, which is neutral and non-polar, at codon 118 of the GFER protein (p.Pro118Ala). This variant is present in population databases (rs201603991, gnomAD 0.006%). This variant has not been reported in the literature in individuals affected with GFER-related conditions. Algorithms developed to predict the effect of missense changes on protein structure and function are either unavailable or do not agree on the potential impact of this missense change (SIFT: "Tolerated"; PolyPhen-2: "Possibly Damaging"; Align-GVGD: "Class C0"). In summary, the available evidence is currently insufficient to determine the role of this variant in disease. Therefore, it has been classified as a Variant of Uncertain Significance.